The following is an entry in ClinVar:

ClinVar aggregate classification (germline): Uncertain significance. Review status: criteria provided, multiple submitters, no conflicts (2 of 4 stars). 4 submissions from 4 submitters: Uncertain significance (4). Last evaluated 2025-09-16.

Conditions:
Arrhythmogenic right ventricular dysplasia 12. Also called: ARRHYTHMOGENIC RIGHT VENTRICULAR DYSPLASIA, FAMILIAL, 12. Identifiers: MedGen C1969081, MONDO:0012684, OMIM 611528.
Naxos disease (NXD). Also called: WOOLLY HAIR, PALMOPLANTAR KERATODERMA, AND CARDIAC ABNORMALITIES; PALMOPLANTAR KERATODERMA WITH ARRHYTHMOGENIC RIGHT VENTRICULAR CARDIOMYOPATHY AND WOOLLY HAIR; KERATOSIS PALMOPLANTARIS WITH ARRHYTHMOGENIC CARDIOMYOPATHY; MAL DE NAXOS; CARDIOMYOPATHY, ARRHYTHMOGENIC RIGHT VENTRICULAR, WITH SKIN, HAIR, AND NAIL ABNORMALITIES. Identifiers: Orphanet 34217, MedGen C1832600, MONDO:0011017, OMIM 601214.
Cardiovascular phenotype. Identifiers: MedGen CN230736.

Allele frequency attached by ClinVar (database versions not stated): ExAC 0.00001; gnomAD 0.00001; TOPMed 0.00001.

Submissions (4):

Ambry Genetics
Classification: Uncertain significance for Cardiovascular phenotype. Last evaluated: 2025-09-16. Review status: criteria provided, single submitter. Criteria: Ambry Variant Classification Scheme 2023. Collection method: clinical testing. Allele origin: germline.
Comment: The p.S225L variant (also known as c.674C>T), located in coding exon 3 of the JUP gene, results from a C to T substitution at nucleotide position 674. The serine at codon 225 is replaced by leucine, an amino acid with dissimilar properties. This variant was reported in individual(s) with features consistent with arrhythmogenic right ventricular cardiomyopathy (ARVC) (Christensen AH et al. J Med Genet, 2010 Nov;47:736-44). This amino acid position is highly conserved in available vertebrate species. In addition, this alteration is predicted to be deleterious by in silico analysis. Based on the available evidence, the clinical significance of this variant remains unclear.

Blueprint Genetics
Classification: Uncertain significance. Last evaluated: 2024-08-21. Review status: criteria provided, single submitter. Criteria: ACMG Guidelines, 2015. Collection method: clinical testing. Allele origin: germline.

Labcorp Genetics (formerly Invitae), Labcorp
Classification: Uncertain significance for Arrhythmogenic right ventricular dysplasia 12; Naxos disease. Last evaluated: 2022-11-01. Review status: criteria provided, single submitter. Criteria: Invitae Variant Classification Sherloc (09022015). Collection method: clinical testing. Allele origin: germline.
Comment: This variant is present in population databases (rs782685734, gnomAD 0.007%). In summary, the available evidence is currently insufficient to determine the role of this variant in disease. Therefore, it has been classified as a Variant of Uncertain Significance. Algorithms developed to predict the effect of missense changes on protein structure and function are either unavailable or do not agree on the potential impact of this missense change (SIFT: "Deleterious"; PolyPhen-2: "Possibly Damaging"; Align-GVGD: "Class C0"). ClinVar contains an entry for this variant (Variation ID: 536631). This missense change has been observed in individual(s) with arrhythmogenic right ventricular cardiomyopathy (PMID: 20864495). This sequence change replaces serine, which is neutral and polar, with leucine, which is neutral and non-polar, at codon 225 of the JUP protein (p.Ser225Leu).

GeneDx
Classification: Uncertain significance. Last evaluated: 2019-10-02. Review status: criteria provided, single submitter. Criteria: GeneDx Variant Classification Process June 2021. Collection method: clinical testing. Allele origin: germline. Affected: yes.
Comment: Not observed at a significant frequency in large population cohorts (Lek et al., 2016); In silico analysis, which includes protein predictors and evolutionary conservation, supports a deleterious effect; This variant is associated with the following publications: (PMID: 31402444, 20864495, 27037756, 23911551)

Literature cited by the submitters: PubMed 20864495 (cited by Ambry Genetics and Labcorp Genetics (formerly Invitae), Labcorp).

NM_002230.4(JUP):c.674C>T (p.Ser225Leu)

Gene: JUP (junction plakoglobin; minus strand). Cytogenetic location: 17q21.2.
Variant type: single nucleotide variant.
Coding change: c.674C>T on transcript NM_002230.4 (MANE Select); coding-DNA position 674, C replaced by T.
Protein change: p.Ser225Leu; replaces serine 225 with leucine.
Molecular consequence: missense variant.
Genome position (GRCh38, 1-based): chr17:41,769,002, G>A on the plus strand (C>T on the coding strand, the complement: JUP is on the minus strand). VCF-style: chr17-41769002-G-A. GRCh37 (hg19) VCF-style: chr17-39925254-G-A.
Other names: c.674C>T, p.Ser225Leu (NM_001352773.2, NM_001352774.2, NM_001352775.2 and 3 more transcripts); short protein forms S225L.
Identifiers: ClinVar variation 536631 (VCV000536631.12), dbSNP rs782685734, ClinGen allele CA8565417.